The following is an entry in ClinVar:

NM_001330700.2(TOP2B):c.378T>G (p.Ile126Met)

Gene: TOP2B (DNA topoisomerase II beta; minus strand). Cytogenetic location: 3p24.2.
Variant type: single nucleotide variant.
Coding change: c.378T>G on transcript NM_001330700.2 (MANE Select); coding-DNA position 378, T replaced by G.
Protein change: p.Ile126Met; replaces isoleucine 126 with methionine.
Molecular consequence: missense variant.
Genome position (GRCh38, 1-based): chr3:25,642,339, A>C on the plus strand (T>G on the coding strand, the complement: TOP2B is on the minus strand). VCF-style: chr3-25642339-A-C. GRCh37 (hg19) VCF-style: chr3-25683830-A-C.
Other names: c.363T>G (NM_001068.2); c.363T>G, p.Ile121Met (NM_001068.3); short protein forms I126M, I121M.
Identifiers: ClinVar variation 1374395 (VCV001374395.9), dbSNP rs1434764984, ClinGen allele CA351913843.

ClinVar aggregate classification (germline): Uncertain significance. Review status: criteria provided, multiple submitters, no conflicts (2 of 4 stars). 2 submissions from 2 submitters: Uncertain significance (2). Last evaluated 2025-08-01.

Allele frequency attached by ClinVar (database versions not stated): gnomAD exomes 0.00001 and 0.00003; TOPMed 0.00003.
gnomAD v4.1: 7 of 1,546,210 alleles (0.00045%); highest among the groups gnomAD compares: Admixed American, 0.014%; no homozygotes.

Submissions (2):

Ambry Genetics
Classification: Uncertain significance. Last evaluated: 2025-08-01. Review status: criteria provided, single submitter. Criteria: Ambry Variant Classification Scheme 2023. Collection method: clinical testing. Allele origin: germline.

Labcorp Genetics (formerly Invitae), Labcorp
Classification: Uncertain significance. Last evaluated: 2025-03-19. Review status: criteria provided, single submitter. Criteria: Invitae Variant Classification Sherloc (09022015). Collection method: clinical testing. Allele origin: germline.
Comment: This sequence change replaces isoleucine, which is neutral and non-polar, with methionine, which is neutral and non-polar, at codon 121 of the TOP2B protein (p.Ile121Met). This variant is present in population databases (no rsID available, gnomAD 0.02%). This variant has not been reported in the literature in individuals affected with TOP2B-related conditions. ClinVar contains an entry for this variant (Variation ID: 1374395). An algorithm developed to predict the effect of missense changes on protein structure and function (PolyPhen-2) suggests that this variant is likely to be disruptive. In summary, the available evidence is currently insufficient to determine the role of this variant in disease. Therefore, it has been classified as a Variant of Uncertain Significance.